The following is an entry in ClinVar:

NM_024529.5(CDC73):c.800A>T (p.Gln267Leu)

Gene: CDC73 (cell division cycle 73; plus strand). Cytogenetic location: 1q31.2.
Variant type: single nucleotide variant.
Coding change: c.800A>T on transcript NM_024529.5 (MANE Select); coding-DNA position 800, A replaced by T.
Protein change: p.Gln267Leu; replaces glutamine 267 with leucine.
Molecular consequence: missense variant.
Genome position (GRCh38, 1-based): chr1:193,147,937, A>T. VCF-style: chr1-193147937-A-T. GRCh37 (hg19) VCF-style: chr1-193117067-A-T.
Other names: short protein forms Q267L.
Identifiers: ClinVar variation 3227885 (VCV003227885.1), dbSNP rs2103130586, ClinGen allele CA343964132.

ClinVar aggregate classification (germline): Uncertain significance (1 of 4 stars; one submission).

Conditions:
Hereditary cancer-predisposing syndrome. Also called: Neoplastic Syndromes, Hereditary; Tumor predisposition; Hereditary neoplastic syndrome; Hereditary Cancer Syndrome. Identifiers: Orphanet 140162, MedGen C0027672, MeSH D009386, MONDO:0015356.

Submission:

Ambry Genetics
Classification: Uncertain significance for Hereditary cancer-predisposing syndrome. Last evaluated: 2023-12-31. Review status: criteria provided, single submitter. Criteria: Ambry Variant Classification Scheme 2023. Collection method: clinical testing. Allele origin: germline.
Comment: The p.Q267L variant (also known as c.800A>T), located in coding exon 8 of the CDC73 gene, results from an A to T substitution at nucleotide position 800. The glutamine at codon 267 is replaced by leucine, an amino acid with dissimilar properties. This amino acid position is conserved. In addition, this alteration is predicted to be tolerated by in silico analysis. Since supporting evidence is limited at this time, the clinical significance of this alteration remains unclear.